The following is an entry in ClinVar:

ClinVar aggregate classification (germline): Uncertain significance (1 of 4 stars; one submission).

Conditions:
Inborn genetic diseases. Identifiers: MedGen C0950123, MeSH D030342.

Submission:

Ambry Genetics
Classification: Uncertain significance for Inborn genetic diseases. Last evaluated: 2023-12-07. Review status: criteria provided, single submitter. Criteria: Ambry Variant Classification Scheme 2023. Collection method: clinical testing. Allele origin: germline.
Comment: The p.N1757I variant (also known as c.5270A>T), located in coding exon 30 of the ATR gene, results from an A to T substitution at nucleotide position 5270. The asparagine at codon 1757 is replaced by isoleucine, an amino acid with dissimilar properties. This amino acid position is conserved. In addition, the in silico prediction for this alteration is inconclusive. Since supporting evidence is limited at this time, the clinical significance of this alteration remains unclear.

NM_001184.4(ATR):c.5270A>T (p.Asn1757Ile)

Gene: ATR (ATR checkpoint kinase; minus strand). Cytogenetic location: 3q23.
Variant type: single nucleotide variant.
Coding change: c.5270A>T on transcript NM_001184.4 (MANE Select); coding-DNA position 5270, A replaced by T.
Protein change: p.Asn1757Ile; replaces asparagine 1757 with isoleucine.
Molecular consequence: missense variant.
Genome position (GRCh38, 1-based): chr3:142,503,380, T>A on the plus strand (A>T on the coding strand, the complement: ATR is on the minus strand). VCF-style: chr3-142503380-T-A. GRCh37 (hg19) VCF-style: chr3-142222222-T-A.
Other names: c.5078A>T, p.Asn1693Ile (NM_001354579.2); short protein forms N1693I, N1757I.
Identifiers: ClinVar variation 3221203 (VCV003221203.1), dbSNP rs2473182480, ClinGen allele CA354818313.
Genomic context (GRCh38, chr3:142,503,380, plus strand): 5'-TCAGATGCAATAACAAAAGAAAATCATTTTATAAAATATTACCTGTTAGCATGCACTCCA[T>A]TCACCTGAGTGATAACAGTAGACAGCTGACCAAGACCTAACATGGACTTTACTACACCAT-3'
Protein context (NP_001175.2, residues 1747-1767): GQLSTVITQV[Asn1757Ile]GVHANRSEWT